The following is an entry in ClinVar:

ClinVar aggregate classification (germline): Pathogenic/Likely pathogenic. Review status: criteria provided, multiple submitters, no conflicts (2 of 4 stars). 19 submissions from 19 submitters: Pathogenic (13); Likely pathogenic (2). 4 of the submissions do not count toward it. Last evaluated 2025-12-15.

Conditions:
Inherited MMR deficiency (Lynch syndrome).
Hereditary nonpolyposis colorectal neoplasms. Identifiers: MedGen C0009405, MeSH D003123.
Breast and/or ovarian cancer. Identifiers: MedGen CN221562.
PMS2-related disorder. Also called: PMS2-related condition.
Hereditary nonpolyposis colon cancer (HNPCC). Also called: Hereditary Nonpolyposis Colorectal Cancer Syndrome; Hereditary nonpolyposis colorectal cancer; Familial nonpolyposis colon cancer. Identifiers: Orphanet 443909, MedGen C1333990, MONDO:0018630. Disease mechanism: loss of function.
Hereditary cancer-predisposing syndrome. Also called: Tumor predisposition; Hereditary Cancer Syndrome; Hereditary neoplastic syndrome; Neoplastic Syndromes, Hereditary. Identifiers: Orphanet 140162, MedGen C0027672, MeSH D009386, MONDO:0015356.
Lynch syndrome 4 (LYNCH4). Also called: Colorectal cancer, hereditary nonpolyposis, type 4; Hereditary non-polyposis colorectal cancer, type 4. Identifiers: Orphanet 144, MedGen C1838333, MONDO:0013699, OMIM 614337. Disease mechanism: loss of function.
Mismatch repair cancer syndrome 1 (MMRCS1). Also called: BRAIN TUMOR-POLYPOSIS SYNDROME 1; BTP1 SYNDROME; CHILDHOOD CANCER SYNDROME; MISMATCH REPAIR DEFICIENCY; MMR DEFICIENCY. Identifiers: Orphanet 252202, MedGen C5399763, MONDO:0010159, OMIM 276300. Disease mechanism: loss of function.
Lynch syndrome. Identifiers: Orphanet 144, MedGen C4552100, MONDO:0005835. Disease mechanism: loss of function.

Allele frequency attached by ClinVar (database versions not stated): gnomAD exomes below 0.00001; TOPMed below 0.00001; ExAC 0.00001; gnomAD 0.00001.
gnomAD v4.1: 7 of 1,582,534 alleles (0.00044%); highest among the groups gnomAD compares: Non-Finnish European, 0.00061%; no homozygotes.

Submissions 1 to 8 of 19:

Labcorp Genetics (formerly Invitae), Labcorp
Classification: Pathogenic for Hereditary nonpolyposis colorectal neoplasms. Last evaluated: 2025-12-15. Review status: criteria provided, single submitter. Criteria: Invitae Variant Classification Sherloc (09022015). Collection method: clinical testing. Allele origin: germline.
Comment: This sequence change affects an acceptor splice site in intron 3 of the PMS2 gene. RNA analysis indicates that disruption of this splice site induces altered splicing and may result in an absent or altered protein product. This variant is present in population databases (rs587779340, gnomAD 0.0009%). Disruption of this splice site has been observed in individuals with constitutional mismatch repair deficiency syndrome and/or Lynch syndrome (PMID: 18602922, 21376568, 25980754). Invitae Evidence Modeling of clinical and family history, age, sex, and reported ancestry of multiple individuals with this PMS2 variant has been performed. This variant is expected to be pathogenic with a positive predictive value of at least 99%. This is a validated machine learning model that incorporates the clinical features of 1,627,235 individuals referred to our laboratory for PMS2 testing. ClinVar contains an entry for this variant (Variation ID: 183893). Studies have shown that disruption of this splice site results in skipping of exon 4, and produces a non-functional protein and/or introduces a premature termination codon (internal data). For these reasons, this variant has been classified as Pathogenic.

Quest Diagnostics Nichols Institute San Juan Capistrano
Classification: Pathogenic. Last evaluated: 2025-06-09. Review status: criteria provided, single submitter. Criteria: Quest Diagnostics criteria. Collection method: clinical testing. Allele origin: unknown.
Comment: The PMS2 c.251-2A>T variant disrupts a canonical splice-acceptor site and interferes with normal PMS2 mRNA splicing. This variant has been reported in the published literature in individuals with ovarian cancer (PMID: 33881185 (2021)) and Lynch Syndrome (PMID: 31992580 (2020), 25980754 (2015), 28514183 (2017)). The frequency of this variant in the general population (Genome Aggregation Database) is consistent with pathogenicity. Based on the available information, this variant is classified as pathogenic.

NHS Central & South Genomic Laboratory Hub
Classification: Pathogenic for Inherited MMR deficiency (Lynch syndrome). Last evaluated: 2025-04-09. Review status: criteria provided, single submitter. Criteria: ACMG Guidelines, 2015. Collection method: clinical testing. Allele origin: germline. Affected: yes.

Ambry Genetics
Classification: Pathogenic for Hereditary cancer-predisposing syndrome. Last evaluated: 2025-02-05. Review status: criteria provided, single submitter. Criteria: Ambry Variant Classification Scheme 2023. Collection method: clinical testing. Allele origin: germline.
Comment: The c.251-2A>T intronic pathogenic mutation results from an A to T substitution two nucleotides before coding exon 4 in the PMS2 gene. This alteration was identified in a cohort of 1260 individuals undergoing panel testing for Lynch syndrome due to having a diagnosis of a Lynch-associated cancer and/or polyps (Yurgelun MB et al. Gastroenterology. 2015 Sep;149:604-13.e20). Immunohistochemistry of the tumor showed loss of expression of MSH6 and PMS2 (Wang Q et al. J Med Genet, 2020 07;57:487-499). Two other alterations at this position (c.251-2A>G and c.251-2A>C) have been reported as pathogenic in Lynch syndrome and CMMR-D cohorts (Senter L et al. Gastroenterology. 2008 Aug;135:419-28; Niessen RC et al. Genes Chromosomes Cancer. 2009 Apr;48:322-9).This variant is considered to be rare based on population cohorts in the Genome Aggregation Database (gnomAD). This nucleotide position is highly conserved in available vertebrate species. In silico splice site analysis predicts that this alteration will weaken the native splice acceptor site. In addition to the clinical data presented in the literature, alterations that disrupt the canonical splice site are expected to cause aberrant splicing, resulting in an abnormal protein or a transcript that is subject to nonsense-mediated mRNA decay. As such, this alteration is classified as a disease-causing mutation.

Color Diagnostics, LLC DBA Color Health
Classification: Pathogenic for Hereditary cancer-predisposing syndrome. Last evaluated: 2024-06-12. Review status: criteria provided, single submitter. Criteria: ACMG Guidelines, 2015. Collection method: clinical testing. Allele origin: germline.
Comment: This variant causes an A to T nucleotide substitution at the -2 position of intron 3 of the PMS2 gene. Splice site prediction tools predict that this variant may have a significant impact on RNA splicing. Although this prediction has not been confirmed in published RNA studies, this variant is expected to result in an absent or disrupted protein product. This variant has been reported in individuals affected with colorectal cancer with clinical features of Lynch syndrome or suspected of having Lynch syndrome (PMID: 25980754, 31992580), in individuals with ovarian cancer (PMID: 33881185) and oligodendroglioma (PMID: 35982947). This variant has been identified in 1/244282 chromosomes in the general population by the Genome Aggregation Database (gnomAD). Different variants affecting the same splice acceptor site (c.251-2A>G, c.251-2A>C) are known to be disease-causing (ClinVar variation ID: 91345, 233781). Loss of PMS2 function is a known mechanism of disease. Based on the available evidence, this variant is classified as Pathogenic.

All of Us Research Program, National Institutes of Health
Classification: Pathogenic for Lynch syndrome. Last evaluated: 2024-04-30. Review status: criteria provided, single submitter. Criteria: ACMG Guidelines, 2015. Collection method: clinical testing. Allele origin: germline. Inheritance: Autosomal dominant inheritance. Observed: 3 variant alleles, 3 heterozygotes.
Comment: This variant causes an A to T nucleotide substitution at the -2 position of intron 3 of the PMS2 gene. Splice site prediction tools predict that this variant may have a significant impact on RNA splicing. Although this prediction has not been confirmed in published RNA studies, this variant is expected to result in an absent or disrupted protein product. This variant has been reported in individuals suspected of having Lynch syndrome or colorectal cancer with clinical features of Lynch syndrome (PMID: 25980754, 31992580), in individuals with ovarian cancer (PMID: 33881185) and oligodendroglioma (PMID: 35982947). This variant has been identified in 1/244282 chromosomes in the general population by the Genome Aggregation Database (gnomAD). Different variants affecting the same splice donor site, c..251-2A>G and c.251-2A>C, are known to be disease-causing (ClinVar variation ID: 91345, 233781). Loss of PMS2 function is a known mechanism of disease. Based on the available evidence, this variant is classified as Pathogenic.

This study involves interpretation of variants in research participants for the purpose of population health screening. Participant phenotype was not available at the time of variant classification. Additional details can be found in publication PMID: 35346344, PMCID: PMC8962531

Baylor Genetics
Classification: Pathogenic for Lynch syndrome 4. Last evaluated: 2023-06-07. Review status: criteria provided, single submitter. Criteria: ACMG Guidelines, 2015. Collection method: clinical testing. Allele origin: unknown.

Myriad Genetics, Inc.
Classification: Likely pathogenic for Lynch syndrome 4. Last evaluated: 2023-04-04. Review status: criteria provided, single submitter. Criteria: Myriad Autosomal Dominant, Autosomal Recessive and X-Linked Classification Criteria (2023). Collection method: clinical testing. Allele origin: unknown.
Comment: This variant is considered likely pathogenic. This variant occurs within a consensus splice junction and is predicted to result in abnormal mRNA splicing of either an out-of-frame exon or an in-frame exon necessary for protein stability and/or normal function.

NM_000535.7(PMS2):c.251-2A>T

Gene: PMS2 (PMS1 homolog 2, mismatch repair system component; minus strand). Cytogenetic location: 7p22.1.
Variant type: single nucleotide variant.
Coding change: c.251-2A>T on transcript NM_000535.7 (MANE Select); the canonical splice acceptor site of the intron before coding-DNA position 251, A replaced by T.
Molecular consequence: splice acceptor variant. On other transcripts: synonymous variant (1), intron variant (11).
Genome position (GRCh38, 1-based): chr7:6,003,794, T>A on the plus strand (A>T on the coding strand, the complement: PMS2 is on the minus strand). VCF-style: chr7-6003794-T-A. GRCh37 (hg19) VCF-style: chr7-6043425-T-A.
Other names: c.273A>T, p.Ser91= (NM_001406868.1); c.35+178A>T (NM_001322008.2, NM_001406902.1, NM_001406883.1 and 4 more transcripts); c.-132+178A>T (NM_001406881.1, NM_001406900.1); c.-102-2A>T (NM_001406895.1, NM_001406904.1, NM_001406889.1 and 6 more transcripts); c.-155-2A>T (NM_001406911.1, NM_001322010.2, NM_001322004.2 and 13 more transcripts); c.-234-2A>T (NM_001406879.1, NM_001322015.2, NM_001406878.1 and 3 more transcripts); c.-634-2A>T (NM_001322012.2, NM_001322011.2); c.-52-1158A>T (NM_001406896.1); and 5 more.
Identifiers: ClinVar variation 183893 (VCV000183893.44), dbSNP rs587779340, ClinGen allele CA011631.